The following is an entry in ClinVar:

ClinVar aggregate classification (germline): Pathogenic (1 of 4 stars; one submission).

Conditions:
Familial adenomatous polyposis 4 (FAP4). Also called: MSH3-related attenuated familial adenomatous polyposis. Identifiers: Orphanet 480536, MedGen C4310719, MONDO:0044300, OMIM 617100.

Submission:

Myriad Genetics, Inc.
Classification: Pathogenic for Familial adenomatous polyposis 4. Last evaluated: 2023-08-29. Review status: criteria provided, single submitter. Criteria: Myriad Autosomal Dominant, Autosomal Recessive and X-Linked Classification Criteria (2023). Collection method: clinical testing. Allele origin: unknown.
Comment: This variant is considered pathogenic. This variant creates a termination codon and is predicted to result in premature protein truncation.

NM_002439.5(MSH3):c.1303C>T (p.Gln435Ter)

Gene: MSH3 (mutS homolog 3; plus strand). Cytogenetic location: 5q14.1.
Variant type: single nucleotide variant.
Coding change: c.1303C>T on transcript NM_002439.5 (MANE Select); coding-DNA position 1303, C replaced by T.
Protein change: p.Gln435Ter; replaces glutamine 435 with a stop codon.
Molecular consequence: nonsense.
Genome position (GRCh38, 1-based): chr5:80,679,056, C>T. VCF-style: chr5-80679056-C-T. GRCh37 (hg19) VCF-style: chr5-79974875-C-T.
Other names: short protein forms Q435*.
Identifiers: ClinVar variation 2673502 (VCV002673502.1), dbSNP rs2112819157, ClinGen allele CA360269078.
Genomic context (GRCh38, chr5:80,679,056, plus strand): 5'-GAAACCCGGATGTCAAGCCTGCAGCCAGTAGAGCTGCTGCTTCCTTCGGCCTTGTCCGAG[C>T]AAACAGAGGCGCTCATCCACAGAGCCACATCTGTTAGGTAAGTTGGCACATCACTGGAAT-3'